The following is an entry in ClinVar:

NM_152594.3(SPRED1):c.143C>G (p.Pro48Arg)

Gene: SPRED1 (sprouty related EVH1 domain containing 1; plus strand). Cytogenetic location: 15q14.
Variant type: single nucleotide variant.
Coding change: c.143C>G on transcript NM_152594.3 (MANE Select); coding-DNA position 143, C replaced by G.
Protein change: p.Pro48Arg; replaces proline 48 with arginine.
Molecular consequence: missense variant.
Genome position (GRCh38, 1-based): chr15:38,299,483, C>G. VCF-style: chr15-38299483-C-G. GRCh37 (hg19) VCF-style: chr15-38591684-C-G.
Other names: short protein forms P48R.
Identifiers: ClinVar variation 4615019 (VCV004615019.1).
Genomic context (GRCh38, chr15:38,299,483, plus strand): 5'-GTGGTGGATGGTTACCACTTGGAGGGAGTGGACTAAGCAGCGTCACTGTCTTCAAAGTCC[C>G]TCATCAGGAAGAGAATGGCTGTGCTGACTTTTTTATCCGTGGAGAGCGACTCAGGGACAA-3'
Protein context (NP_689807.1, residues 38-58): GLSSVTVFKV[Pro48Arg]HQEENGCADF

ClinVar aggregate classification (germline): Uncertain significance (1 of 4 stars; one submission).

Conditions:
Cardiovascular phenotype. Identifiers: MedGen CN230736.

Submission:

Ambry Genetics
Classification: Uncertain significance for Cardiovascular phenotype. Last evaluated: 2025-10-26. Review status: criteria provided, single submitter. Criteria: Ambry Variant Classification Scheme 2023. Collection method: clinical testing. Allele origin: germline.
Comment: The p.P48R variant (also known as c.143C>G), located in coding exon 2 of the SPRED1 gene, results from a C to G substitution at nucleotide position 143. The proline at codon 48 is replaced by arginine, an amino acid with dissimilar properties. This amino acid position is conserved. In addition, the in silico prediction for this alteration is inconclusive. Based on the available evidence, the clinical significance of this variant remains unclear.